The following is an entry in ClinVar:

ClinVar aggregate classification (germline): Benign/Likely benign. Review status: criteria provided, multiple submitters, no conflicts (2 of 4 stars). 3 submissions from 3 submitters: Benign (1); Likely benign (2). Last evaluated 2025-12-23.

Conditions:
Developmental and epileptic encephalopathy, 30 (DEE30). Also called: Epileptic encephalopathy, early infantile, 30. Identifiers: MedGen C4225360, MONDO:0014595, OMIM 616341.
Inborn genetic diseases. Identifiers: MedGen C0950123, MeSH D030342.

Allele frequency attached by ClinVar (database versions not stated): gnomAD exomes 0.00009; ExAC 0.00010; 1000 Genomes Project 0.00020; gnomAD 0.00035; ESP Exome Variant Server 0.00046.

Submissions (3):

Labcorp Genetics (formerly Invitae), Labcorp
Classification: Benign for Developmental and epileptic encephalopathy, 30. Last evaluated: 2025-12-23. Review status: criteria provided, single submitter. Criteria: Invitae Variant Classification Sherloc (09022015). Collection method: clinical testing. Allele origin: germline.

CeGaT Center for Human Genetics Tuebingen
Classification: Likely benign. Last evaluated: 2023-05-01. Review status: criteria provided, single submitter. Criteria: CeGaT Center For Human Genetics Tuebingen Variant Classification Criteria Version 2. Collection method: clinical testing. Allele origin: germline. Affected: yes. Observed: 1 variant allele.
Comment: SIK1: BP4, BP7

Ambry Genetics
Classification: Likely benign for Inborn genetic diseases. Last evaluated: 2018-01-19. Review status: criteria provided, single submitter. Criteria: Ambry Variant Classification Scheme 2023. Collection method: clinical testing. Allele origin: germline.

NM_173354.5(SIK1):c.453G>A (p.Lys151=)

Gene: SIK1 (salt inducible kinase 1; minus strand). Cytogenetic location: 21q22.3.
Variant type: single nucleotide variant.
Coding change: c.453G>A on transcript NM_173354.5 (MANE Select); coding-DNA position 453, G replaced by A.
Protein change: p.Lys151=; no amino-acid change (lysine 151 retained).
Molecular consequence: synonymous variant.
Genome position (GRCh38, 1-based): chr21:43,421,684, C>T on the plus strand (G>A on the coding strand, the complement: SIK1 is on the minus strand). VCF-style: chr21-43421684-C-T. GRCh37 (hg19) VCF-style: chr21-44841564-C-T.
Identifiers: ClinVar variation 772633 (VCV000772633.37), dbSNP rs138750735, ClinGen allele CA321328105.
Genomic context (GRCh38, chr21:43,421,684, plus strand): 5'-CGGACCCTCCGTGCCTGCCAGCTTGATGTCCATGTTGCCATCCAGCAGGAGGTTCTCGGT[C>T]TTGAGGTCCCGGTGGACGATGTGATGGTCGTGACAGTACTCCACGGCCGACAGGATTTGC-3'
Protein context (NP_775490.2, residues 141-161): HDHHIVHRDL[Lys151=]TENLLLDGNM